The following is an entry in ClinVar:

NM_052988.5(CDK10):c.635G>A (p.Gly212Glu)

Gene: CDK10 (cyclin dependent kinase 10; plus strand). Cytogenetic location: 16q24.3.
Variant type: single nucleotide variant.
Coding change: c.635G>A on transcript NM_052988.5 (MANE Select); coding-DNA position 635, G replaced by A.
Protein change: p.Gly212Glu; replaces glycine 212 with glutamic acid.
Molecular consequence: missense variant. On other transcripts: non-coding transcript variant (2).
Genome position (GRCh38, 1-based): chr16:89,694,199, G>A. VCF-style: chr16-89694199-G-A. GRCh37 (hg19) VCF-style: chr16-89760607-G-A.
Other names: c.422G>A, p.Gly141Glu (NM_001098533.3, NM_001160367.2, NM_052987.4); short protein forms G212E, G141E.
Identifiers: ClinVar variation 3141444 (VCV003141444.2), dbSNP rs749119494, ClinGen allele CA8248026.

ClinVar aggregate classification (germline): Uncertain significance. Review status: criteria provided, multiple submitters, no conflicts (2 of 4 stars). 2 submissions from 2 submitters: Uncertain significance (2). Last evaluated 2026-08-06.

Conditions:
Al Kaissi syndrome. Also called: GROWTH RETARDATION, SPINE MALFORMATION, DYSMORPHIC FACIES, AND DEVELOPMENTAL DELAY. Identifiers: MedGen C4540156, MONDO:0044324, OMIM 617694.
Inborn genetic diseases. Identifiers: MedGen C0950123, MeSH D030342.

Allele frequency attached by ClinVar (database versions not stated): ExAC 0.00003; TOPMed 0.00005; gnomAD exomes 0.00001; gnomAD 0.00004.

Submissions (2):

OLLIN Analises Genomicas, OLLIN
Classification: Uncertain significance for Al Kaissi syndrome. Last evaluated: 2026-08-06. Review status: criteria provided, single submitter. Criteria: ACMG Guidelines 2015 PMID 25741868. Collection method: clinical testing. Allele origin: germline. Inheritance: Autosomal recessive inheritance.
Comment: This missense variant, located in exon 9 (of 13), has been reported in ClinVar (accession VCV003141444.1) and in gnomAD with an allele frequency of 0.0017%. However, to our knowledge, it has not been reported in the scientific literature. In silico analysis is inconclusive regarding the impact of this variant. According to the currently available evidence, this variant has been classified as uncertain significance (PM2_P).

Ambry Genetics
Classification: Uncertain significance for Inborn genetic diseases. Last evaluated: 2023-11-14. Review status: criteria provided, single submitter. Criteria: Ambry Variant Classification Scheme 2023. Collection method: clinical testing. Allele origin: germline.